The following is an entry in ClinVar:

NM_003183.6(ADAM17):c.46C>T (p.Leu16=)

Gene: ADAM17 (ADAM metallopeptidase domain 17; minus strand). Cytogenetic location: 2p25.1.
Variant type: single nucleotide variant.
Coding change: c.46C>T on transcript NM_003183.6 (MANE Select); coding-DNA position 46, C replaced by T.
Protein change: p.Leu16=; no amino-acid change (leucine 16 retained).
Molecular consequence: synonymous variant. On other transcripts: 5 prime UTR variant (2).
Genome position (GRCh38, 1-based): chr2:9,555,560, G>A on the plus strand (C>T on the coding strand, the complement: ADAM17 is on the minus strand). VCF-style: chr2-9555560-G-A. GRCh37 (hg19) VCF-style: chr2-9695689-G-A.
Other names: c.-635C>T (NM_001382777.1); c.-877C>T (NM_001382778.1).
Identifiers: ClinVar variation 3389971 (VCV003389971.14).

ClinVar aggregate classification (germline): Likely benign (1 of 4 stars; one submission).

gnomAD v4.1: 2 of 1,602,444 alleles (0.00012%); highest among the groups gnomAD compares: African/African-American, 0.0027%; no homozygotes.

Submission:

CeGaT Center for Human Genetics Tuebingen
Classification: Likely benign. Last evaluated: 2024-10-01. Review status: criteria provided, single submitter. Criteria: CeGaT Center For Human Genetics Tuebingen Variant Classification Criteria Version 2. Collection method: clinical testing. Allele origin: germline. Affected: yes. Observed: 1 variant allele.
Comment: ADAM17: BP4, BP7